The following is an entry in ClinVar:

ClinVar aggregate classification (germline): Benign/Likely benign. Review status: criteria provided, multiple submitters, no conflicts (2 of 4 stars). 5 submissions from 5 submitters: Benign (1); Likely benign (4). Last evaluated 2026-05-22.

Conditions:
Juvenile myelomonocytic leukemia (JMML). Also called: LEUKEMIA, JUVENILE MYELOMONOCYTIC, SOMATIC. Identifiers: Orphanet 86834, MedGen C0349639, MONDO:0011908, OMIM 607785, HP:0012209.
Neurofibromatosis, type 1 (NF1). Also called: NEUROFIBROMATOSIS, TYPE I, SOMATIC; Peripheral type neurofibromatosis; VON RECKLINGHAUSEN DISEASE; Neurofibromatosis, type I. Identifiers: Orphanet 636, MedGen C0027831, MONDO:0018975, OMIM 162200. Disease mechanism: loss of function.
Neurofibromatosis, familial spinal (FSNF). Identifiers: Orphanet 636, MedGen C1834235, MONDO:0008078, OMIM 162210. Disease mechanism: loss of function.
Neurofibromatosis-Noonan syndrome (NFNS). Also called: NEUROFIBROMATOSIS WITH NOONAN PHENOTYPE. Identifiers: Orphanet 638, MedGen C2931482, MONDO:0011035, OMIM 601321. Disease mechanism: loss of function.
Café-au-lait macules with pulmonary stenosis (WTSN). Also called: PULMONIC STENOSIS WITH CAFE-AU-LAIT SPOTS. Identifiers: MedGen C0553586, MONDO:0008672, OMIM 193520.
Cardiovascular phenotype. Identifiers: MedGen CN230736.
Hereditary cancer-predisposing syndrome. Also called: Tumor predisposition; Hereditary Cancer Syndrome; Hereditary neoplastic syndrome; Neoplastic Syndromes, Hereditary. Identifiers: Orphanet 140162, MedGen C0027672, MeSH D009386, MONDO:0015356.

gnomAD v4.1: 1 of 1,614,022 alleles (0.000062%); highest among the groups gnomAD compares: Non-Finnish European, 0.000085%; no homozygotes.

Submissions (5):

Myriad Genetics, Inc.
Classification: Benign for Neurofibromatosis, type 1. Last evaluated: 2026-05-22. Review status: criteria provided, single submitter. Criteria: Myriad Autosomal Dominant, Autosomal Recessive and X-Linked Classification Criteria (2023). Collection method: clinical testing. Allele origin: unknown.
Comment: This variant is considered benign. This variant is a silent/synonymous amino acid change and it is not expected to impact splicing.

Labcorp Genetics (formerly Invitae), Labcorp
Classification: Likely benign for Neurofibromatosis, type 1. Last evaluated: 2024-08-04. Review status: criteria provided, single submitter. Criteria: Invitae Variant Classification Sherloc (09022015). Collection method: clinical testing. Allele origin: germline.

Fulgent Genetics
Classification: Likely benign for Neurofibromatosis, type 1; Neurofibromatosis, familial spinal; Café-au-lait macules with pulmonary stenosis; Neurofibromatosis-Noonan syndrome; Juvenile myelomonocytic leukemia. Last evaluated: 2022-03-21. Review status: criteria provided, single submitter. Criteria: ACMG Guidelines, 2015. Collection method: clinical testing. Allele origin: unknown.

Genome-Nilou Lab
Classification: Likely benign for Neurofibromatosis, type 1. Last evaluated: 2022-03-15. Review status: criteria provided, single submitter. Criteria: ACMG Guidelines, 2015. Collection method: clinical testing. Allele origin: germline. Affected: no.

Ambry Genetics
Classification: Likely benign for Cardiovascular phenotype; Hereditary cancer-predisposing syndrome. Last evaluated: 2018-04-13. Review status: criteria provided, single submitter. Criteria: Ambry Variant Classification Scheme 2023. Collection method: clinical testing. Allele origin: germline.

NM_001042492.3(NF1):c.7899G>A (p.Glu2633=)

Gene: NF1 (neurofibromin 1; plus strand). Cytogenetic location: 17q11.2.
Variant type: single nucleotide variant.
Coding change: c.7899G>A on transcript NM_001042492.3 (MANE Select); coding-DNA position 7899, G replaced by A.
Protein change: p.Glu2633=; no amino-acid change (glutamic acid 2633 retained).
Molecular consequence: synonymous variant.
Genome position (GRCh38, 1-based): chr17:31,357,298, G>A. VCF-style: chr17-31357298-G-A. GRCh37 (hg19) VCF-style: chr17-29684316-G-A.
Other names: c.7836G>A, p.Glu2612= (NM_000267.4).
Identifiers: ClinVar variation 744397 (VCV000744397.17), dbSNP rs1597866857, ClinGen allele CA499340666.
Genomic context (GRCh38, chr17:31,357,298, plus strand): 5'-GTTGTGTGTTTACTTTTTTGCATCTTGGCAGGCTACACTGGTAAAATATACCACAGATGA[G>A]TTTGATCAACGAATTCTTTATGAATACTTAGCAGAGGCCAGTGTTGTGTTTCCCAAAGTC-3'
Protein context (NP_001035957.1, residues 2623-2643): LATLVKYTTD[Glu2633=]FDQRILYEYL